The following is an entry in ClinVar:

ClinVar aggregate classification (germline): Pathogenic (1 of 4 stars; one submission).

Conditions:
Hereditary cancer-predisposing syndrome. Also called: Neoplastic Syndromes, Hereditary; Tumor predisposition; Hereditary Cancer Syndrome; Hereditary neoplastic syndrome. Identifiers: Orphanet 140162, MedGen C0027672, MeSH D009386, MONDO:0015356.

Submission:

Ambry Genetics
Classification: Pathogenic for Hereditary cancer-predisposing syndrome. Last evaluated: 2018-06-29. Review status: criteria provided, single submitter. Criteria: Ambry Variant Classification Scheme 2023. Collection method: clinical testing. Allele origin: germline.
Comment: The c.2175_2188del14 pathogenic mutation, located in coding exon 4 of the MSH6 gene, results from a deletion of 14 nucleotides at nucleotide positions 2175 to 2188, causing a translational frameshift with a predicted alternate stop codon (p.F726Sfs*25). This alteration is expected to result in loss of function by premature protein truncation or nonsense-mediated mRNA decay. As such, this alteration is interpreted as a disease-causing mutation.

NM_000179.3(MSH6):c.2175_2188del (p.Phe726fs)

Gene: MSH6 (mutS homolog 6; plus strand). Cytogenetic location: 2p16.3.
Variant type: Deletion.
Coding change: c.2175_2188del on transcript NM_000179.3 (MANE Select); coding-DNA positions 2175 to 2188, 14 bases deleted (CTTCACCAAAGCCT).
Protein change: p.Phe726fs; shifts the reading frame from phenylalanine 726.
Molecular consequence: frameshift variant.
Genome position (GRCh38, 1-based): chr2:47,800,158-47,800,171, CTTCACCAAAGCCT deleted; deleting any 14 consecutive bases within chr2:47,800,157-47,800,171 gives the same sequence; the c. name uses the placement nearest the transcript's 3' end. VCF-style (leftmost placement, unchanged base first): chr2-47800156-ATCTTCACCAAAGCC-A. GRCh37 (hg19) VCF-style: chr2-48027295-ATCTTCACCAAAGCC-A.
Other names: c.1878_1891delCTTCACCAAAGCCT, p.Phe627Serfs (NM_001406825.1, NM_001406827.1, NM_001406828.1 and 10 more transcripts); c.1269_1282delCTTCACCAAAGCCT, p.Phe424Serfs (NM_001406829.1, NM_001406811.1, NM_001406812.1 and 4 more transcripts); c.2007_2020delCTTCACCAAAGCCT, p.Phe670Serfs (NM_001406826.1); c.1785_1798del, p.Phe596fs (NM_001281492.2); c.1269_1282del, p.Phe424fs (NM_001281493.2, NM_001281494.2); c.2271_2284delCTTCACCAAAGCCT, p.Phe758Serfs (NM_001406795.1, NM_001406802.1); c.2175_2188delCTTCACCAAAGCCT, p.Phe726Serfs (NM_001406796.1, NM_001406798.1, NM_001406800.1 and 3 more transcripts); c.1650_1663delCTTCACCAAAGCCT, p.Phe551Serfs (NM_001406799.1, NM_001406806.1, NM_001406807.1); and 3 more; short protein forms F726fs, F424fs, F596fs.
Identifiers: ClinVar variation 1787165 (VCV001787165.2), dbSNP rs2530655099, ClinGen allele CA2580067782.